The following is an entry in ClinVar:

NM_001243279.3(ACSF3):c.1682del (p.Met561fs)

Gene: ACSF3 (acyl-CoA synthetase family member 3; plus strand). Cytogenetic location: 16q24.3.
Variant type: Deletion.
Coding change: c.1682del on transcript NM_001243279.3 (MANE Select); coding-DNA position 1682, one base deleted (T; older notation c.1682delT).
Protein change: p.Met561fs; shifts the reading frame from methionine 561.
Molecular consequence: frameshift variant. On other transcripts: non-coding transcript variant (4).
Genome position (GRCh38, 1-based): chr16:89,154,158, T deleted. VCF-style (leftmost placement, unchanged base first): chr16-89154157-AT-A. GRCh37 (hg19) VCF-style: chr16-89220565-AT-A.
Other names: c.1682del, p.Met561fs (NM_001127214.4, NM_174917.5); c.887del, p.Met296fs (NM_001284316.2); short protein forms M296fs, M561fs.
Identifiers: ClinVar variation 4816971 (VCV004816971.1).
Genomic context (GRCh38, chr16:89,154,157, plus strand): 5'-CTGGCCCCGTACGCGGTGCCCTCGGAGCTGGTGCTGGTGGAGGAGATCCCGCGGAACCAG[AT>A]GGGCAAGATTGACAAGAAGGCGCTCATCAGGCACTTCCACCCCTCATGACCCGGCAGACT-3'

ClinVar aggregate classification (germline): Likely pathogenic (1 of 4 stars; one submission).

Conditions:
Combined malonic and methylmalonic acidemia. Identifiers: Orphanet 289504, MedGen C3280314, MONDO:0013661, OMIM 614265.

Submission:

Natera, Inc.
Classification: Likely pathogenic for Combined malonic and methylmalonic aciduria. Last evaluated: 2024-02-26. Review status: criteria provided, single submitter. Criteria: Natera Variant Classification Schema (03/2026). Collection method: clinical testing. Allele origin: germline.
Comment: The c.1682delT variant in ACSF3 is a frameshift variant predicted to elongate the protein beyond the termination codon. This variant is expected to result in nonsense mediated decay, truncation, or a dysfunctional protein product. This variant is rare in the general population with a frequency below the threshold expected for the associated phenotype(s). Given the available evidence, this variant is classified as Likely Pathogenic.